The following continues an entry in ClinVar:

NM_000179.3(MSH6):c.3788G>A (p.Arg1263His)

Gene: MSH6. ClinVar aggregate classification (germline): Conflicting classifications of pathogenicity. Uncertain significance (7); Benign (1); Likely benign (11).

Submissions 14 to 22 of 22:

Neuberg Centre For Genomic Medicine, NCGM
Classification: Uncertain significance for Lynch syndrome 5. Last evaluated: 2023-05-20. Review status: criteria provided, single submitter. Criteria: ACMG Guidelines, 2015. Collection method: clinical testing. Allele origin: germline. Inheritance: Autosomal dominant inheritance. Affected: yes.
Comment: The missense variant c.3788G>A (p.Arg1263His) in the MSH6 gene has been reported previously in individuals affected with Lynch syndrome (Bodian et al., 2014; Terui et al., 2013). This variant is reported with the allele frequency (0.01%) in the gnomAD Exomes and absent in 1000 Genomes. The amino acid Arginine at position 1263 is changed to a Histidine changing protein sequence and it might alter its composition and physico-chemical properties. Multiple lines of computational evidence (Polyphen - Damaging, SIFT - Damaging and MutationTaster - Disease causing) predict a damaging effect on protein structure and function for this variant. The amino acid change p.Arg1263His in MSH6 is predicted as conserved by GERP++ and PhyloP across 100 vertebrates. For these reasons, this variant has been classified as Uncertain Significance. The recent data however suggests that this could be a Likely benign variant with limited evidence.

Foundation for Research in Genetics and Endocrinology, FRIGE's Institute of Human Genetics
Classification: Uncertain significance for Lynch syndrome 5. Last evaluated: 2023-04-07. Review status: criteria provided, single submitter. Criteria: ACMG Guidelines, 2015. Collection method: clinical testing. Allele origin: germline. Inheritance: Autosomal dominant inheritance. Affected: yes. Observed: 1 heterozygote.
Comment: A heterozygous missense substitution (p.Arg1263His) lies in exon 8 of the MSH6 gene and alters a conserved residue in the protein. . The in silico prediction of the variant are possibly damaging by LRT, Mutation Taster and SIFT. The reference codon is conserved across species. In summary, the variant meets our criteria to be classified as variant of uncertain significance.

Ambry Genetics
Classification: Likely benign for Hereditary cancer-predisposing syndrome. Last evaluated: 2021-04-06. Review status: criteria provided, single submitter. Criteria: Ambry Variant Classification Scheme 2023. Collection method: clinical testing. Allele origin: germline.

GeneDx
Classification: Likely benign. Last evaluated: 2021-03-23. Review status: criteria provided, single submitter. Criteria: GeneDx Variant Classification Process June 2021. Collection method: clinical testing. Allele origin: germline. Affected: yes.
Comment: In silico analysis, which includes protein predictors and evolutionary conservation, supports that this variant does not alter protein structure/function; This variant is associated with the following publications: (PMID: 23621914, 27498913, 24728327, 25186627)

Sema4
Classification: Likely benign for Hereditary cancer-predisposing syndrome. Last evaluated: 2020-12-24. Review status: criteria provided, single submitter. Criteria: Sema4 Curation Guidelines. Collection method: curation. Allele origin: germline.

Fulgent Genetics
Classification: Uncertain significance for Mismatch repair cancer syndrome 1; Endometrial carcinoma; Lynch syndrome 5. Last evaluated: 2018-10-31. Review status: criteria provided, single submitter. Criteria: ACMG Guidelines, 2015. Collection method: clinical testing. Allele origin: unknown.

Counsyl
Classification: Uncertain significance for Lynch syndrome 5. Last evaluated: 2017-05-04. Review status: no assertion criteria provided. Collection method: clinical testing. Allele origin: unknown. Not counted in ClinVar's aggregate classification.

ITMI
No classification provided. Condition: AllHighlyPenetrant. Last evaluated: 2013-09-19. Review status: no classification provided. Collection method: reference population. Allele origin: germline. Not counted in ClinVar's aggregate classification.
Comment: Please see associated publication for description of ethnicities

Department of Pathology and Laboratory Medicine, Sinai Health System
Classification: Uncertain significance. Review status: no assertion criteria provided. Collection method: clinical testing. Allele origin: unknown. Affected: yes. Study: The Canadian Open Genetics Repository (COGR). Not counted in ClinVar's aggregate classification.
Comment: The MSH6 p.Arg1263His variant was identified in 10 of 1362 chromosomes (frequency: 0.007) from an ancestrally diverse cohort of healthy individuals the literature (Bodian_2014_24728327). The variant was identified in dbSNP (ID: rs147852216) â€šÃ„ÃºWith Uncertain significance alleleâ€šÃ„Ã¹, ClinVar (5x as uncertain significance by GeneDx, Invitae, Color Genomics, Ambry Genetics, ITMI), Clinvitae (3x), and in control databases in 46 of 276952 chromosomes at a frequency of 0.0002 increasing the likelihood this could be a low frequency benign variant (Genome Aggregation Database Feb 27, 2017). Breakdown of the observations by population include African in 1 of 24026 chromosomes (freq: 0.00004), Other in 3 of 6460 chromosomes (freq: 0.0005), Latino in 10 of 34386 chromosomes (freq: 0.0003), European Non-Finnish in 7 of 126488 chromosomes (freq: 0.00006), and South Asian in 25 of 30782 chromosomes (freq: 0.0008) while not observed in the Ashkenazi Jewish, East Asian, and European Finnish populations. The variant was not identified in the Cosmic, MutDB, UMD-LSDB, Zhejiang Colon Cancer Database, Mismatch Repair Genes Variant Database, and Insight Hereditary Tumors Database. The p.Arg1263 residue is not conserved in mammals and computational analyses (PolyPhen-2, SIFT, AlignGVGD, BLOSUM, MutationTaster) provide inconsistent predictions regarding the impact of the variant His to the protein; this information is not very predictive of pathogenicity. The variant occurs outside of the splicing consensus sequence and 1 of 5 in silico or computational prediction software programs (SpliceSiteFinder, MaxEntScan, NNSPLICE, GeneSplicer, HumanSpliceFinder) predict a greater than 10% difference in splicing; this is not very predictive of pathogenicity. In summary, based on the above information the clinical significance of this variant cannot be determined with certainty at this time. This variant is classified as a variant of uncertain significance.

Literature cited by the submitters: PubMed 25186627 (cited by 6 submitters); PubMed 31391288 (cited by 4 submitters); PubMed 38714106 (cited by Women's Health and Genetics/Laboratory Corporation of America, LabCorp); PubMed 32980694 (cited by 3 submitters); PubMed 32885271 (cited by Quest Diagnostics Nichols Institute San Juan Capistrano and Color Diagnostics, LLC DBA Color Health); PubMed 24728327 (cited by 3 submitters); PubMed 33471991 (cited by Quest Diagnostics Nichols Institute San Juan Capistrano and Color Diagnostics, LLC DBA Color Health); PubMed 4728327 (cited by Color Diagnostics, LLC DBA Color Health); PubMed 27363726 (cited by Myriad Genetics, Inc.); PubMed 30267214 (cited by Ambry Genetics).